The following is an entry in ClinVar:

NC_000011.9:g.(31561331_31616316)_(31653953_31669288)del

Gene: ELP4 (elongator acetyltransferase complex subunit 4; plus strand). Cytogenetic location: 11p13.
Variant type: Deletion.
Identifiers: ClinVar variation 4853543 (VCV004853543.1).

ClinVar aggregate classification (germline): Uncertain significance (1 of 4 stars; one submission).

Submission:

Women's Health and Genetics/Laboratory Corporation of America, LabCorp
Classification: Uncertain significance. Last evaluated: 2026-05-05. Review status: criteria provided, single submitter. Criteria: LabCorp Variant Classification Summary - May 2015. Collection method: clinical testing. Allele origin: germline.
Comment: Variant summary: The variant involves the deletion of exons 4-7 in the ELP4 gene. A presumed nomenclature of c.(381+1_382-1)_(927+1_928-1)del has been designated for the purposes of this classification. This Copy Number Variant (CNV) is predicted to result in an in-frame deletion within this gene. Current evidence is not sufficient to establish loss of function as a mechanism for disease. The variant was absent in 21688 control chromosomes. The available data on variant occurrences in the general population are insufficient to allow any conclusion about variant significance. To our knowledge, no occurrence of c.(381+1_382-1)_(927+1_928-1)del in individuals affected with ELP4-related conditions and no experimental evidence demonstrating its impact on protein function have been reported. While deletions in ELP4 that affect critical regulatory regions (CREs) for the neighboring PAX6 gene have been reported in individuals with PAX6-related condition(s) (example, PMID: 38459225, 30291432), this CNV overlaps with the proposed CRE, but does not fully encompass the proposed CRE. ClinVar contains an entry for this variant (Variation ID: 3063200). Based on the evidence outlined above, the variant was classified as uncertain significance.